The following is an entry in ClinVar:

NM_001447.3(FAT2):c.11185G>A (p.Gly3729Arg)

Genes: FAT2 (FAT atypical cadherin 2; minus strand), SLC36A1 (solute carrier family 36 member 1; plus strand). Cytogenetic location: 5q33.1.
Variant type: single nucleotide variant.
Coding change: c.11185G>A on transcript NM_001447.3 (MANE Select); coding-DNA position 11185, G replaced by A.
Protein change: p.Gly3729Arg; replaces glycine 3729 with arginine.
Molecular consequence: missense variant.
Genome position (GRCh38, 1-based): chr5:151,521,408, C>T on the plus strand (G>A on the coding strand, the complement: FAT2 is on the minus strand). VCF-style: chr5-151521408-C-T. GRCh37 (hg19) VCF-style: chr5-150900969-C-T.
Other names: short protein forms G3729R.
Identifiers: ClinVar variation 3702415 (VCV003702415.3).

ClinVar aggregate classification (germline): Uncertain significance. Review status: criteria provided, multiple submitters, no conflicts (2 of 4 stars). 2 submissions from 2 submitters: Uncertain significance (2). Last evaluated 2024-08-31.

gnomAD v4.1: 1 of 1,614,184 alleles (0.000062%); highest among the groups gnomAD compares: Non-Finnish European, 0.000085%; no homozygotes.

Submissions (2):

Labcorp Genetics (formerly Invitae), Labcorp
Classification: Uncertain significance. Last evaluated: 2024-08-31. Review status: criteria provided, single submitter. Criteria: Invitae Variant Classification Sherloc (09022015). Collection method: clinical testing. Allele origin: germline.
Comment: This sequence change replaces glycine, which is neutral and non-polar, with arginine, which is basic and polar, at codon 3729 of the FAT2 protein (p.Gly3729Arg). This variant is present in population databases (rs757018773, gnomAD 0.0009%). This variant has not been reported in the literature in individuals affected with FAT2-related conditions. An algorithm developed to predict the effect of missense changes on protein structure and function (PolyPhen-2) suggests that this variant is likely to be disruptive. In summary, the available evidence is currently insufficient to determine the role of this variant in disease. Therefore, it has been classified as a Variant of Uncertain Significance.

Blueprint Genetics
Classification: Uncertain significance. Last evaluated: 2020-09-28. Review status: criteria provided, single submitter. Criteria: ACMG Guidelines, 2015. Collection method: clinical testing. Allele origin: germline.